The following is an entry in ClinVar:

ClinVar aggregate classification (germline): Uncertain significance. Review status: criteria provided, multiple submitters, no conflicts (2 of 4 stars). 4 submissions from 4 submitters: Uncertain significance (4). Last evaluated 2023-12-06.

Conditions:
Inborn genetic diseases. Identifiers: MedGen C0950123, MeSH D030342.

Allele frequency attached by ClinVar (database versions not stated): gnomAD 0.00001 and 0.00002; gnomAD exomes 0.00001 and 0.00002; TOPMed 0.00003; ExAC 0.00004; 1000 Genomes Project 0.00020; 1000 Genomes Project 30x 0.00031.
gnomAD v4.1: 21 of 1,613,656 alleles (0.0013%); highest among the groups gnomAD compares: African/African-American, 0.008%; no homozygotes.

Submissions (4):

Labcorp Genetics (formerly Invitae), Labcorp
Classification: Uncertain significance. Last evaluated: 2023-12-06. Review status: criteria provided, single submitter. Criteria: Invitae Variant Classification Sherloc (09022015). Collection method: clinical testing. Allele origin: germline.
Comment: This sequence change replaces arginine, which is basic and polar, with glutamine, which is neutral and polar, at codon 221 of the PDSS1 protein (p.Arg221Gln). This variant is present in population databases (rs539771162, gnomAD 0.01%). This variant has not been reported in the literature in individuals affected with PDSS1-related conditions. ClinVar contains an entry for this variant (Variation ID: 1484337). Advanced modeling of protein sequence and biophysical properties (such as structural, functional, and spatial information, amino acid conservation, physicochemical variation, residue mobility, and thermodynamic stability) performed at Invitae indicates that this missense variant is not expected to disrupt PDSS1 protein function with a negative predictive value of 80%. In summary, the available evidence is currently insufficient to determine the role of this variant in disease. Therefore, it has been classified as a Variant of Uncertain Significance.

Blueprint Genetics
Classification: Uncertain significance. Last evaluated: 2023-09-04. Review status: criteria provided, single submitter. Criteria: ACMG Guidelines, 2015. Collection method: clinical testing. Allele origin: germline.

GeneDx
Classification: Uncertain significance. Last evaluated: 2023-05-08. Review status: criteria provided, single submitter. Criteria: GeneDx Variant Classification Process June 2021. Collection method: clinical testing. Allele origin: germline. Affected: yes.
Comment: Not observed at significant frequency in large population cohorts (gnomAD); In silico analysis supports that this missense variant does not alter protein structure/function; Has not been previously published as pathogenic or benign to our knowledge

Ambry Genetics
Classification: Uncertain significance for Inborn genetic diseases. Last evaluated: 2022-05-31. Review status: criteria provided, single submitter. Criteria: Ambry Variant Classification Scheme 2023. Collection method: clinical testing. Allele origin: germline.

NM_014317.5(PDSS1):c.662G>A (p.Arg221Gln)

Gene: PDSS1 (decaprenyl diphosphate synthase subunit 1; plus strand). Cytogenetic location: 10p12.1.
Variant type: single nucleotide variant.
Coding change: c.662G>A on transcript NM_014317.5 (MANE Select); coding-DNA position 662, G replaced by A.
Protein change: p.Arg221Gln; replaces arginine 221 with glutamine.
Molecular consequence: missense variant.
Genome position (GRCh38, 1-based): chr10:26,723,858, G>A. VCF-style: chr10-26723858-G-A. GRCh37 (hg19) VCF-style: chr10-27012787-G-A.
Other names: c.662G>A, p.Arg221Gln (NM_001321978.2); c.152G>A, p.Arg51Gln (NM_001321979.2); c.662G>A (NM_014317.3); short protein forms R51Q, R221Q.
Identifiers: ClinVar variation 1484337 (VCV001484337.7), dbSNP rs539771162, ClinGen allele CA5446992.